The following is an entry in ClinVar:

ClinVar aggregate classification (germline): Conflicting classifications of pathogenicity. Review status: criteria provided, conflicting classifications (1 of 4 stars). 6 submissions from 6 submitters: Uncertain significance (2); Benign (1); Likely benign (3). Last evaluated 2026-02-01.

Conditions:
Muscular dystrophy-dystroglycanopathy type B6 (MDDGB6). Also called: MUSCULAR DYSTROPHY, CONGENITAL, LARGE-RELATED; MUSCULAR DYSTROPHY, CONGENITAL, TYPE 1D; MUSCULAR DYSTROPHY-DYSTROGLYCANOPATHY (CONGENITAL WITH IMPAIRED INTELLECTUAL DEVELOPMENT), TYPE B, 6. Identifiers: MedGen C1837229, MONDO:0012138, OMIM 608840.

Allele frequency attached by ClinVar (database versions not stated): gnomAD 0.00102 and 0.00103; ESP Exome Variant Server 0.00115; 1000 Genomes Project 30x 0.00125; gnomAD exomes 0.00010 and 0.00024; ExAC 0.00029; TOPMed 0.00094; 1000 Genomes Project 0.00100.
gnomAD v4.1: 305 of 1,613,976 alleles (0.019%); highest among the groups gnomAD compares: African/African-American, 0.36%; no homozygotes.

Submissions (6):

Labcorp Genetics (formerly Invitae), Labcorp
Classification: Benign for Muscular dystrophy-dystroglycanopathy type B6. Last evaluated: 2026-02-01. Review status: criteria provided, single submitter. Criteria: Invitae Variant Classification Sherloc (09022015). Collection method: clinical testing. Allele origin: germline.

Blueprint Genetics
Classification: Likely benign. Last evaluated: 2022-07-28. Review status: criteria provided, single submitter. Criteria: ACMG Guidelines, 2015. Collection method: clinical testing. Allele origin: germline.

Athena Diagnostics
Classification: Likely benign. Last evaluated: 2021-04-23. Review status: criteria provided, single submitter. Criteria: Athena Diagnostics criteria. Collection method: clinical testing. Allele origin: unknown.

GeneDx
Classification: Likely benign. Last evaluated: 2018-01-03. Review status: criteria provided, single submitter. Criteria: GeneDx Variant Classification (06012015). Collection method: clinical testing. Allele origin: germline. Affected: yes.
Comment: This variant is considered likely benign or benign based on one or more of the following criteria: it is a conservative change, it occurs at a poorly conserved position in the protein, it is predicted to be benign by multiple in silico algorithms, and/or has population frequency not consistent with disease.

Genetic Services Laboratory, University of Chicago
Classification: Uncertain significance. Last evaluated: 2016-01-05. Review status: criteria provided, single submitter. Criteria: ACMG Guidelines, 2015. Collection method: clinical testing. Allele origin: germline. Affected: no.

Eurofins Ntd Llc (ga)
Classification: Uncertain significance. Last evaluated: 2014-10-23. Review status: criteria provided, single submitter. Criteria: EGL Classification Definitions 2015. Collection method: clinical testing. Allele origin: germline. Observed: 2 variant alleles, 2 heterozygotes.

NM_133642.5(LARGE1):c.408+8G>A

Gene: LARGE1 (LARGE xylosyl- and glucuronyltransferase 1; minus strand). Cytogenetic location: 22q12.3.
Variant type: single nucleotide variant.
Coding change: c.408+8G>A on transcript NM_133642.5 (MANE Select); 8 bases into the intron after coding-DNA position 408, G replaced by A.
Molecular consequence: intron variant.
Genome position (GRCh38, 1-based): chr22:33,650,359, C>T on the plus strand (G>A on the coding strand, the complement: LARGE1 is on the minus strand). VCF-style: chr22-33650359-C-T. GRCh37 (hg19) VCF-style: chr22-34046345-C-T.
Other names: c.408+8G>A (NM_001362953.2, NM_001362949.2, NM_001378627.1 and 7 more transcripts).
Identifiers: ClinVar variation 197241 (VCV000197241.26), dbSNP rs141818070, ClinGen allele CA245259.
Genomic context (GRCh38, chr22:33,650,359, plus strand): 5'-CATTTGCAAGGGGTGAGGGCAATCGGGACTTTGGACAACTTCCTCCCCAGGCTCCAGATG[C>T]CCTTTACCTCGCATTTCTCCACGACCGGCTGCTGCCCACACTCGGAGCTGTTGCCTGCCA-3'